The following is an entry in ClinVar:

NM_017849.4(TMEM127):c.547G>A (p.Ala183Thr)

Gene: TMEM127 (transmembrane protein 127; minus strand). Cytogenetic location: 2q11.2.
Variant type: single nucleotide variant.
Coding change: c.547G>A on transcript NM_017849.4 (MANE Select); coding-DNA position 547, G replaced by A.
Protein change: p.Ala183Thr; replaces alanine 183 with threonine.
Molecular consequence: missense variant.
Genome position (GRCh38, 1-based): chr2:96,253,978, C>T on the plus strand (G>A on the coding strand, the complement: TMEM127 is on the minus strand). VCF-style: chr2-96253978-C-T. GRCh37 (hg19) VCF-style: chr2-96919716-C-T.
Other names: c.547G>A, p.Ala183Thr (NM_001193304.3); c.295G>A, p.Ala99Thr (NM_001407282.1, NM_001407283.1); short protein forms A99T, A183T.
Identifiers: ClinVar variation 3807744 (VCV003807744.2).
Genomic context (GRCh38, chr2:96,253,978, plus strand): 5'-CCTCTGTGGGGTAGTGGCGCAGGAGGTTGGCTGCCGTGGCCAGGATTGAGGCTCCACCAG[C>T]TCCTGCCACCAGGTAGAAGCTAACGGCGAAGGTGACATAGACCTGGGATCCATGGTACTT-3'
Protein context (NP_060319.1, residues 173-193): FAVSFYLVAG[Ala183Thr]GGASILATAA

ClinVar aggregate classification (germline): Uncertain significance. Review status: criteria provided, multiple submitters, no conflicts (2 of 4 stars). 2 submissions from 2 submitters: Uncertain significance (2). Last evaluated 2025-02-13.

Conditions:
Hereditary pheochromocytoma and paraganglioma. Also called: Hereditary Paraganglioma-Pheochromocytoma Syndromes; Hereditary paragangliomas and pheochromocytomas; Hereditary pheochromocytoma-paraganglioma. Identifiers: Orphanet 29072, MedGen C4274332, MONDO:0017366.
Hereditary cancer-predisposing syndrome. Also called: Neoplastic Syndromes, Hereditary; Tumor predisposition; Hereditary neoplastic syndrome; Hereditary Cancer Syndrome. Identifiers: Orphanet 140162, MedGen C0027672, MeSH D009386, MONDO:0015356.

gnomAD v4.1: 1 of 1,614,180 alleles (0.000062%); highest among the groups gnomAD compares: Non-Finnish European, 0.000085%; no homozygotes.

Submissions (2):

Labcorp Genetics (formerly Invitae), Labcorp
Classification: Uncertain significance for Hereditary pheochromocytoma and paraganglioma. Last evaluated: 2025-02-13. Review status: criteria provided, single submitter. Criteria: Invitae Variant Classification Sherloc (09022015). Collection method: clinical testing. Allele origin: germline.
Comment: This sequence change replaces alanine, which is neutral and non-polar, with threonine, which is neutral and polar, at codon 183 of the TMEM127 protein (p.Ala183Thr). This variant is not present in population databases (gnomAD no frequency). This variant has not been reported in the literature in individuals affected with TMEM127-related conditions. An algorithm developed to predict the effect of missense changes on protein structure and function (PolyPhen-2) suggests that this variant is likely to be disruptive. In summary, the available evidence is currently insufficient to determine the role of this variant in disease. Therefore, it has been classified as a Variant of Uncertain Significance.

Ambry Genetics
Classification: Uncertain significance for Hereditary cancer-predisposing syndrome. Last evaluated: 2025-01-13. Review status: criteria provided, single submitter. Criteria: Ambry Variant Classification Scheme 2023. Collection method: clinical testing. Allele origin: germline.
Comment: The p.A183T variant (also known as c.547G>A), located in coding exon 3 of the TMEM127 gene, results from a G to A substitution at nucleotide position 547. The alanine at codon 183 is replaced by threonine, an amino acid with similar properties. This amino acid position is conserved. In addition, this alteration is predicted to be deleterious by in silico analysis. Based on the available evidence, the clinical significance of this variant remains unclear.